The following is an entry in ClinVar:

NM_006493.4(CLN5):c.787A>G (p.Ser263Gly)

Gene: CLN5 (CLN5 lysosomal BMP synthase; plus strand). Cytogenetic location: 13q22.3.
Variant type: single nucleotide variant.
Coding change: c.787A>G on transcript NM_006493.4 (MANE Select); coding-DNA position 787, A replaced by G.
Protein change: p.Ser263Gly; replaces serine 263 with glycine.
Molecular consequence: missense variant. On other transcripts: 3 prime UTR variant (1).
Genome position (GRCh38, 1-based): chr13:77,000,679, A>G. VCF-style: chr13-77000679-A-G. GRCh37 (hg19) VCF-style: chr13-77574814-A-G.
Other names: c.*236A>G (NM_001366624.2); short protein forms S263G.
Identifiers: ClinVar variation 988296 (VCV000988296.3), dbSNP rs1329255995, ClinGen allele CA388313194.

ClinVar aggregate classification (germline): Conflicting classifications of pathogenicity. Review status: criteria provided, conflicting classifications (1 of 4 stars). 2 submissions from 2 submitters: Likely pathogenic (1); Uncertain significance (1). Last evaluated 2024-07-24.

Conditions:
Neuronal ceroid lipofuscinosis. Also called: Neuronal Ceroid Lipofuscinoses. Identifiers: Orphanet 216, Orphanet 79263, MedGen C0027877, MONDO:0016295. Disease mechanism: loss of function.

Allele frequency attached by ClinVar (database versions not stated): gnomAD exomes below 0.00001 and 0.00001.

Submissions (2):

Labcorp Genetics (formerly Invitae), Labcorp
Classification: Uncertain significance for Neuronal ceroid lipofuscinosis. Last evaluated: 2024-07-24. Review status: criteria provided, single submitter. Criteria: Invitae Variant Classification Sherloc (09022015). Collection method: clinical testing. Allele origin: germline.
Comment: This sequence change replaces serine, which is neutral and polar, with glycine, which is neutral and non-polar, at codon 312 of the CLN5 protein (p.Ser312Gly). This variant is present in population databases (no rsID available, gnomAD 0.003%). This variant has not been reported in the literature in individuals affected with CLN5-related conditions. ClinVar contains an entry for this variant (Variation ID: 988296). Advanced modeling of protein sequence and biophysical properties (such as structural, functional, and spatial information, amino acid conservation, physicochemical variation, residue mobility, and thermodynamic stability) performed at Invitae indicates that this missense variant is expected to disrupt CLN5 protein function with a positive predictive value of 80%. In summary, the available evidence is currently insufficient to determine the role of this variant in disease. Therefore, it has been classified as a Variant of Uncertain Significance.

Clinical Genetics and Genomics, Karolinska University Hospital
Classification: Likely pathogenic. Last evaluated: 2016-07-01. Review status: criteria provided, single submitter. Criteria: ACMG Guidelines, 2015. Collection method: clinical testing. Allele origin: germline. Affected: yes. Observed: 1 variant allele.